The following is an entry in ClinVar:

NM_001220.5(CAMK2B):c.754A>T (p.Met252Leu)

Gene: CAMK2B (calcium/calmodulin dependent protein kinase II beta; minus strand). Cytogenetic location: 7p13.
Variant type: single nucleotide variant.
Coding change: c.754A>T on transcript NM_001220.5 (MANE Select); coding-DNA position 754, A replaced by T.
Protein change: p.Met252Leu; replaces methionine 252 with leucine.
Molecular consequence: missense variant.
Genome position (GRCh38, 1-based): chr7:44,242,283, T>A on the plus strand (A>T on the coding strand, the complement: CAMK2B is on the minus strand). VCF-style: chr7-44242283-T-A. GRCh37 (hg19) VCF-style: chr7-44281882-T-A.
Other names: c.754A>T, p.Met252Leu (NM_172082.3, NM_172083.3, NM_172084.3 and 5 more transcripts); short protein forms M252L.
Identifiers: ClinVar variation 2444815 (VCV002444815.2), dbSNP rs2486034565, ClinGen allele CA367363998.

ClinVar aggregate classification (germline): Uncertain significance (1 of 4 stars; one submission).

Submission:

GeneDx
Classification: Uncertain significance. Last evaluated: 2024-11-12. Review status: criteria provided, single submitter. Criteria: GeneDx Variant Classification Process June 2021. Collection method: clinical testing. Allele origin: germline.
Comment: Not observed at significant frequency in large population cohorts (gnomAD); In silico analysis supports that this missense variant has a deleterious effect on protein structure/function; Has not been previously published as pathogenic or benign to our knowledge